The following is an entry in ClinVar:

ClinVar aggregate classification (germline): Uncertain significance (1 of 4 stars; one submission).

Submission:

Labcorp Genetics (formerly Invitae), Labcorp
Classification: Uncertain significance. Last evaluated: 2025-07-30. Review status: criteria provided, single submitter. Criteria: Invitae Variant Classification Sherloc (09022015). Collection method: clinical testing. Allele origin: germline.
Comment: This sequence change falls in intron 1 of the GINS1 gene. It does not directly change the encoded amino acid sequence of the GINS1 protein. It affects a nucleotide within the consensus splice site. This variant is not present in population databases (gnomAD no frequency). This variant has not been reported in the literature in individuals affected with GINS1-related conditions. ClinVar contains an entry for this variant (Variation ID: 1992836). Variants that disrupt the consensus splice site are a relatively common cause of aberrant splicing (PMID: 17576681, 9536098). Algorithms developed to predict the effect of sequence changes on RNA splicing suggest that this variant is not likely to affect RNA splicing. In summary, the available evidence is currently insufficient to determine the role of this variant in disease. Therefore, it has been classified as a Variant of Uncertain Significance.

Literature cited by the submitters: PubMed 17576681; PubMed 9536098.

NM_021067.5(GINS1):c.75+6G>A

Genes: GINS1 (GINS complex subunit 1; plus strand), LOC130065587 (ATAC-STARR-seq lymphoblastoid active region 17669; plus strand). Cytogenetic location: 20p11.21.
Variant type: single nucleotide variant.
Coding change: c.75+6G>A on transcript NM_021067.5 (MANE Select); 6 bases into the intron after coding-DNA position 75, G replaced by A.
Molecular consequence: intron variant.
Genome position (GRCh38, 1-based): chr20:25,407,901, G>A. VCF-style: chr20-25407901-G-A. GRCh37 (hg19) VCF-style: chr20-25388537-G-A.
Identifiers: ClinVar variation 1992836 (VCV001992836.4), dbSNP rs2090256889, ClinGen allele CA2580098054.